The following is an entry in ClinVar:

ClinVar aggregate classification (germline): Benign (1 of 4 stars; one submission).

gnomAD v4.1: 998 of 1,614,146 alleles (0.062%); highest among the groups gnomAD compares: African/African-American, 1.1%; 5 homozygotes.

Submission:

Women's Health and Genetics/Laboratory Corporation of America, LabCorp
Classification: Benign. Last evaluated: 2026-01-28. Review status: criteria provided, single submitter. Criteria: LabCorp Variant Classification Summary - May 2015. Collection method: clinical testing. Allele origin: germline.
Comment: Variant summary: MAN2B2 c.2727C>T results in a synonymous change. Consensus agreement among computation tools predict no significant impact on normal splicing. However, these predictions have yet to be confirmed by functional studies. The variant allele was found at a frequency of 0.0008 in 251382 control chromosomes, predominantly at a frequency of 0.011 within the African or African-American subpopulation in the gnomAD database. The observed variant frequency within African or African-American control individuals in the gnomAD database exceeds the estimated maximal expected allele frequency for disease-causing variants in MAN2B2. To our knowledge, no occurrence of c.2727C>T in individuals affected with MAN2B2-related conditions and no experimental evidence demonstrating its impact on protein function have been reported. No submitters have cited clinical-significance assessments for this variant to ClinVar. Based on the evidence outlined above, the variant was classified as benign.

NM_015274.3(MAN2B2):c.2727C>T (p.Asp909=)

Genes: MAN2B2 (mannosidase alpha class 2B member 2; plus strand), MRFAP1-AS1 (MRFAP1 antisense RNA 1; minus strand). Cytogenetic location: 4p16.1.
Variant type: single nucleotide variant.
Coding change: c.2727C>T on transcript NM_015274.3 (MANE Select); coding-DNA position 2727, C replaced by T.
Protein change: p.Asp909=; no amino-acid change (aspartic acid 909 retained).
Molecular consequence: synonymous variant.
Genome position (GRCh38, 1-based): chr4:6,617,405, C>T. VCF-style: chr4-6617405-C-T. GRCh37 (hg19) VCF-style: chr4-6619132-C-T.
Other names: c.2574C>T, p.Asp858= (NM_001292038.2).
Identifiers: ClinVar variation 4689162 (VCV004689162.1).